The following is an entry in ClinVar:

ClinVar aggregate classification (germline): Pathogenic (1 of 4 stars; one submission).

Conditions:
Meckel-Gruber syndrome. Also called: Dysencephalia splachnocystica; DYSENCEPHALIA SPLANCHNOCYSTICA; GRUBER SYNDROME. Identifiers: Orphanet 564, MedGen C0265215, MONDO:0018921.
Nephronophthisis. Also called: Juvenile Nephronophthisis. Identifiers: Orphanet 655, MedGen C0687120, MONDO:0019005, HP:0000090.
Joubert syndrome. Also called: Familial aplasia of the vermis; CEREBELLOPARENCHYMAL DISORDER IV; JOUBERT-BOLTSHAUSER SYNDROME. Identifiers: Orphanet 475, MedGen C5979921, MONDO:0018772.

Submission:

Labcorp Genetics (formerly Invitae), Labcorp
Classification: Pathogenic for Joubert syndrome; Meckel-Gruber syndrome; Nephronophthisis. Last evaluated: 2019-10-28. Review status: criteria provided, single submitter. Criteria: Invitae Variant Classification Sherloc (09022015). Collection method: clinical testing. Allele origin: germline.
Comment: Loss-of-function variants in CEP290 are known to be pathogenic (PMID: 16909394, 17345604, 20690115, 25377065, 28559085). This sequence change creates a premature translational stop signal (p.Arg1084Asnfs*5) in the CEP290 gene. It is expected to result in an absent or disrupted protein product. This variant is not present in population databases (ExAC no frequency). This variant has not been reported in the literature in individuals with CEP290-related conditions. For these reasons, this variant has been classified as Pathogenic.

Literature cited by the submitters: PubMed 16909394; PubMed 17345604; PubMed 20690115; PubMed 25377065; PubMed 28559085.

NM_025114.4(CEP290):c.3249_3250insAA (p.Arg1084fs)

Gene: CEP290 (centrosomal protein 290; minus strand). Cytogenetic location: 12q21.32.
Variant type: Insertion.
Coding change: c.3249_3250insAA on transcript NM_025114.4 (MANE Select); coding-DNA positions 3249 to 3250, AA inserted.
Protein change: p.Arg1084fs; shifts the reading frame from arginine 1084.
Molecular consequence: frameshift variant.
Genome position: GRCh38 VCF-style: chr12-88093829-G-GTT. GRCh37 (hg19) VCF-style: chr12-88487606-G-GTT.
Other names: short protein forms R1084fs.
Identifiers: ClinVar variation 953432 (VCV000953432.8), dbSNP rs2037226237, ClinGen allele CA1139662803.
Genomic context (GRCh38, chr12:88,093,829, plus strand): 5'-CCTCAGCAAATTTGGTTTCCAATTCAAAATTACGTTCCTCCATTTGCTTTAACGAAGTCC[G>GTT]TAAGTGTTCATACATTTTTTGACAATGTTCAGCCCGCTGCCTTTCATTTAATTCCTTCAT-3'